The following is an entry in ClinVar:

ClinVar aggregate classification (germline): Uncertain significance (0 of 4 stars; one submission).

Conditions:
HIVEP3-related disorder. Also called: HIVEP3-related condition.

Allele frequency attached by ClinVar (database versions not stated): gnomAD 0.00001; TOPMed 0.00001.

Submission:

PreventionGenetics, part of Exact Sciences
Classification: Uncertain significance for HIVEP3-related condition. Last evaluated: 2023-11-25. Review status: no assertion criteria provided. Collection method: clinical testing. Allele origin: germline.
Comment: The HIVEP3 c.1602delT variant is predicted to result in a frameshift and premature protein termination (p.Val535Cysfs*4). This variant has been reported as de novo in individuals with neurodevelopmental disorders (Table S1, McRae et al. 2017. PubMed ID: 28135719; Table S2, Turner et al. 2019. PubMed ID: 31785789). However, this variant is also reported in 0.0082% of alleles in individuals of African descent in gnomAD. Although we suspect that this variant may be pathogenic, at this time, the clinical significance of this variant is uncertain due to the absence of conclusive functional and genetic evidence.

NM_024503.5(HIVEP3):c.1602del (p.Val535fs)

Gene: HIVEP3 (HIVEP zinc finger 3; minus strand). Cytogenetic location: 1p34.2.
Variant type: Deletion.
Coding change: c.1602del on transcript NM_024503.5 (MANE Select); coding-DNA position 1602, one base deleted (T; older notation c.1602delT).
Protein change: p.Val535fs; shifts the reading frame from valine 535.
Molecular consequence: frameshift variant.
Genome position (GRCh38, 1-based): chr1:41,583,196, A deleted on the plus strand (T on the coding strand, the reverse complement: HIVEP3 is on the minus strand). VCF-style (leftmost placement, unchanged base first): chr1-41583195-CA-C. GRCh37 (hg19) VCF-style: chr1-42048866-CA-C.
Other names: c.1602del, p.Val535fs (NM_001127714.3); short protein forms V535fs.
Identifiers: ClinVar variation 3030830 (VCV003030830.2), dbSNP rs1241831148, ClinGen allele CA417539923.
Genomic context (GRCh38, chr1:41,583,195, plus strand): 5'-GGTGGGGGGTGCTGATAGTGCAGGCGGCAGAAGGCATTGAGTGGCTTCTCAGGAGAGGCA[CA>C]GGGGGGGCGGTACTGGGCGGGTGCTGGAGGCTCAGCAGTGATTGTTCAGGCTTGGTTTTC-3'